The following is an entry in ClinVar:

ClinVar aggregate classification (germline): Uncertain significance (1 of 4 stars; one submission).

Conditions:
DNA ligase IV deficiency. Identifiers: Orphanet 99812, MedGen C1847827, MONDO:0011686, OMIM 606593.

Allele frequency attached by ClinVar (database versions not stated): gnomAD exomes below 0.00001; TOPMed below 0.00001.

Submission:

Labcorp Genetics (formerly Invitae), Labcorp
Classification: Uncertain significance for DNA ligase IV deficiency. Last evaluated: 2022-02-20. Review status: criteria provided, single submitter. Criteria: Invitae Variant Classification Sherloc (09022015). Collection method: clinical testing. Allele origin: germline.
Comment: This sequence change replaces histidine, which is basic and polar, with arginine, which is basic and polar, at codon 50 of the LIG4 protein (p.His50Arg). This variant is not present in population databases (gnomAD no frequency). This variant has not been reported in the literature in individuals affected with LIG4-related conditions. Algorithms developed to predict the effect of missense changes on protein structure and function (SIFT, PolyPhen-2, Align-GVGD) all suggest that this variant is likely to be tolerated. In summary, the available evidence is currently insufficient to determine the role of this variant in disease. Therefore, it has been classified as a Variant of Uncertain Significance.

NM_206937.2(LIG4):c.149A>G (p.His50Arg)

Gene: LIG4 (DNA ligase 4; minus strand). Cytogenetic location: 13q33.3.
Variant type: single nucleotide variant.
Coding change: c.149A>G on transcript NM_206937.2 (MANE Select); coding-DNA position 149, A replaced by G.
Protein change: p.His50Arg; replaces histidine 50 with arginine.
Molecular consequence: missense variant. On other transcripts: 5 prime UTR variant (1).
Genome position (GRCh38, 1-based): chr13:108,211,120, T>C on the plus strand (A>G on the coding strand, the complement: LIG4 is on the minus strand). VCF-style: chr13-108211120-T-C. GRCh37 (hg19) VCF-style: chr13-108863468-T-C.
Other names: c.149A>G, p.His50Arg (NM_001098268.2, NM_001352598.2, NM_001352599.2 and 6 more transcripts); c.-53A>G (NM_001330595.2); c.185A>G, p.His62Arg (NM_001352604.2); short protein forms H62R, H50R.
Identifiers: ClinVar variation 1985635 (VCV001985635.4), dbSNP rs1878617631, ClinGen allele CA388624303.